The following is an entry in ClinVar:

ClinVar aggregate classification (germline): Pathogenic. Review status: criteria provided, single submitter (1 of 4 stars). 2 submissions from 2 submitters: Pathogenic (1). 1 of the submissions does not count toward it. Last evaluated 2024-11-28.

Conditions:
HOXA13-related disorder. Also called: HOXA13-related condition.
Hand-foot-genital syndrome (HFG). Also called: HFU syndrome; HFG syndrome; Hand-Foot-Uterus Syndrome. Identifiers: Orphanet 2438, MedGen C1841679, MONDO:0007698, OMIM 140000.

Submissions (2):

PreventionGenetics, part of Exact Sciences
Classification: Pathogenic for HOXA13-related condition. Last evaluated: 2024-11-28. Review status: criteria provided, single submitter. Criteria: ACMG Guidelines, 2015. Collection method: clinical testing. Allele origin: germline.
Comment: The HOXA13 c.366_389dup24 variant is predicted to result in an in-frame duplication (p.Ala126_Ala133dup). This variant has been reported to co-segregate with disease in four individuals from a family with hand-foot-genital syndrome (Goodman et al. 2000. PubMed ID: 10839976). This variant has not been reported in a large population database (gnomAD); however, the quality of the gnomAD data in this region is not reliable. Other alanine duplications within this alanine repeat region (p.Ala120_Ala125dup and p.Ala128_Ala133dup) have been reported to co-segregate with disease in multiple affected individuals from two families with hand-foot-genital syndrome (Utsch et al. 2002. PubMed ID: 12073020; Geng et al. 2023. PubMed ID: 36702441). Given the evidence, the c.366_389dup24 (p.Ala126_Ala133dup) variant is interpreted as pathogenic.

OMIM
Classification: Pathogenic for HAND-FOOT-GENITAL SYNDROME. Last evaluated: 2000-07-01. Review status: no assertion criteria provided. Collection method: literature only. Allele origin: germline. Not counted in ClinVar's aggregate classification.

Literature cited by the submitters: Elias, S., Simpson, J. L., Feingold, M., Sarto, G. E. The hand-foot-uterus syndrome: a rare autosomal dominant disorder. Fertil. Steril. 29: 239-240, 1978. (cited by OMIM); PubMed 2774004 (cited by OMIM); PubMed 1442892 (cited by OMIM); PubMed 10839976 (cited by OMIM).

NM_000522.5(HOXA13):c.366_389dup (p.Ala133_Ser134insAlaAlaAlaAlaAlaAlaAlaAla)

Genes: HOXA13 (homeobox A13; minus strand), LOC107126288 (NUP98-HOXA13 recombination region; plus strand). Cytogenetic location: 7p15.2.
Variant type: Duplication.
Coding change: c.366_389dup on transcript NM_000522.5 (MANE Select); coding-DNA positions 366 to 389, 24 bases duplicated (GGCTGCCGCTGCAGCCGCCGCCGC).
Protein change: p.Ala133_Ser134insAlaAlaAlaAlaAlaAlaAlaAla.
Molecular consequence: inframe insertion.
Genome position (GRCh38, 1-based): chr7:27,199,689-27,199,712, GCGGCGGCGGCTGCAGCGGCAGCC duplicated on the plus strand (GGCTGCCGCTGCAGCCGCCGCCGC on the coding strand, the reverse complement: HOXA13 is on the minus strand); duplicating any 24 consecutive bases within chr7:27,199,689-27,199,717 gives the same sequence; the c. name uses the placement nearest the transcript's 3' end. VCF-style (leftmost placement, unchanged base first): chr7-27199688-G-GGCGGCGGCGGCTGCAGCGGCAGCC. GRCh37 (hg19) VCF-style: chr7-27239307-G-GGCGGCGGCGGCTGCAGCGGCAGCC.
Other names: c.366_389dup24 (NM_000522.4).
Identifiers: ClinVar variation 14891 (VCV000014891.5), dbSNP rs2534827764, ClinGen allele CA2580076993.